The following is an entry in ClinVar:

NM_080424.4(SP110):c.1379A>C (p.His460Pro)

Gene: SP110 (SP110 nuclear body protein; minus strand). Cytogenetic location: 2q37.1.
Variant type: single nucleotide variant.
Coding change: c.1379A>C on transcript NM_080424.4 (MANE Select); coding-DNA position 1379, A replaced by C.
Protein change: p.His460Pro; replaces histidine 460 with proline.
Molecular consequence: missense variant.
Genome position (GRCh38, 1-based): chr2:230,178,225, T>G on the plus strand (A>C on the coding strand, the complement: SP110 is on the minus strand). VCF-style: chr2-230178225-T-G. GRCh37 (hg19) VCF-style: chr2-231042941-T-G.
Other names: c.1397A>C, p.His466Pro (NM_001185015.2, NM_001378442.1, NM_001378444.1 and 2 more transcripts); c.1379A>C, p.His460Pro (NM_001378443.1, NM_004509.5, NM_004510.4); c.1229A>C, p.His410Pro (NM_001378447.1); short protein forms H460P, H466P, H410P.
Identifiers: ClinVar variation 656368 (VCV000656368.9), dbSNP rs772667418, ClinGen allele CA2154513.

ClinVar aggregate classification (germline): Uncertain significance. Review status: criteria provided, multiple submitters, no conflicts (2 of 4 stars). 3 submissions from 3 submitters: Uncertain significance (3). Last evaluated 2024-04-12.

Conditions:
Inborn genetic diseases. Identifiers: MedGen C0950123, MeSH D030342.
Hepatic veno-occlusive disease-immunodeficiency syndrome. Also called: Hepatic Veno-Occlusive Disease with Immunodeficiency. Identifiers: Orphanet 79124, MedGen C1856128, MONDO:0009338, OMIM 235550. Disease mechanism: loss of function.

Allele frequency attached by ClinVar (database versions not stated): ExAC 0.00002; TOPMed 0.00006; gnomAD 0.00005; gnomAD exomes 0.00002.
gnomAD v4.1: 46 of 1,613,230 alleles (0.0029%); highest among the groups gnomAD compares: Admixed American, 0.0033%; no homozygotes.

Submissions (3):

Ambry Genetics
Classification: Uncertain significance for Inborn genetic diseases. Last evaluated: 2024-04-12. Review status: criteria provided, single submitter. Criteria: Ambry Variant Classification Scheme 2023. Collection method: clinical testing. Allele origin: germline.

Labcorp Genetics (formerly Invitae), Labcorp
Classification: Uncertain significance for Hepatic veno-occlusive disease-immunodeficiency syndrome. Last evaluated: 2022-08-23. Review status: criteria provided, single submitter. Criteria: Invitae Variant Classification Sherloc (09022015). Collection method: clinical testing. Allele origin: germline.
Comment: This sequence change replaces histidine, which is basic and polar, with proline, which is neutral and non-polar, at codon 460 of the SP110 protein (p.His460Pro). This variant is present in population databases (rs772667418, gnomAD 0.004%). This variant has not been reported in the literature in individuals affected with SP110-related conditions. ClinVar contains an entry for this variant (Variation ID: 656368). Algorithms developed to predict the effect of missense changes on protein structure and function (SIFT, PolyPhen-2, Align-GVGD) all suggest that this variant is likely to be tolerated. In summary, the available evidence is currently insufficient to determine the role of this variant in disease. Therefore, it has been classified as a Variant of Uncertain Significance.

Breakthrough Genomics
Classification: Uncertain significance. Review status: criteria provided, single submitter. Criteria: ACMG Guidelines, 2015. Collection method: not provided. Allele origin: germline. Inheritance: Autosomal recessive inheritance. Affected: yes.